The following is an entry in ClinVar:

ClinVar aggregate classification (germline): Pathogenic/Likely pathogenic. Review status: criteria provided, multiple submitters, no conflicts (2 of 4 stars). 2 submissions from 2 submitters: Pathogenic (1); Likely pathogenic (1). Last evaluated 2025-12-01.

Conditions:
FRONTOTEMPORAL LOBAR DEGENERATION WITH TDP43 INCLUSIONS, TARDBP-RELATED. Also called: Frontotemporal lobar degeneration, TARDBP-related. Identifiers: MedGen C3150169, OMIM 612069.
Amyotrophic lateral sclerosis type 10 (ALS10). Also called: AMYOTROPHIC LATERAL SCLEROSIS 10 WITHOUT FRONTOTEMPORAL DEMENTIA AND WITH TDP43 INCLUSIONS; AMYOTROPHIC LATERAL SCLEROSIS 10 WITH OR WITHOUT FRONTOTEMPORAL DEMENTIA AND WITH TDP43 INCLUSIONS; AMYOTROPHIC LATERAL SCLEROSIS 10 WITH OR WITHOUT FRONTOTEMPORAL DEMENTIA; Amyotrophic lateral sclerosis 10, with or without FTD; TARDBP-Related Amyotrophic Lateral Sclerosis-Frontotemporal Dementia. Identifiers: Orphanet 275872, Orphanet 803, MedGen C2677565, MONDO:0012790, OMIM 612069.

Allele frequency attached by ClinVar (database versions not stated): gnomAD 0.00001; gnomAD exomes 0.00001; ExAC 0.00002.
gnomAD v4.1: 10 of 1,589,552 alleles (0.00063%); highest among the groups gnomAD compares: East Asian, 0.013%; no homozygotes.

Submissions (2):

Labcorp Genetics (formerly Invitae), Labcorp
Classification: Pathogenic for Amyotrophic lateral sclerosis type 10; FRONTOTEMPORAL LOBAR DEGENERATION WITH TDP43 INCLUSIONS, TARDBP-RELATED. Last evaluated: 2025-12-01. Review status: criteria provided, single submitter. Criteria: Invitae Variant Classification Sherloc (09022015). Collection method: clinical testing. Allele origin: germline.
Comment: This sequence change replaces serine, which is neutral and polar, with glycine, which is neutral and non-polar, at codon 375 of the TARDBP protein (p.Ser375Gly). This variant is present in population databases (rs766196255, gnomAD 0.03%). This missense change has been observed in individuals with amyotrophic lateral sclerosis (PMID: 25382069, 28709720, 30461104, 32166880, 34175147). ClinVar contains an entry for this variant (Variation ID: 2202699). An algorithm developed to predict the effect of missense changes on protein structure and function (PolyPhen-2) suggests that this variant is likely to be tolerated. Experimental studies have shown that this missense change affects TARDBP function (PMID: 30461104). For these reasons, this variant has been classified as Pathogenic.

Juno Genomics, Hangzhou Juno Genomics, Inc
Classification: Likely pathogenic for Amyotrophic lateral sclerosis type 10. Review status: criteria provided, single submitter. Criteria: ACMG Guidelines, 2015. Collection method: clinical testing. Allele origin: germline.
Comment: Absent from controls (or at extremely low frequency if recessive) in Genome Aggregation Database.;Missense variant in a gene that has a low rate of benign missense variation.;The prevalence of the variant in affected individuals is significantly increased compared to the prevalence in controls.;Patient's phenotype or family history is highly specific for a disease with a single genetic etiology.;Well-established in vitro or in vivo functional studies supportive of a damaging effect on the gene or gene product.

Literature cited by the submitters: PubMed 25382069 (cited by Labcorp Genetics (formerly Invitae), Labcorp); PubMed 28709720 (cited by Labcorp Genetics (formerly Invitae), Labcorp); PubMed 30461104 (cited by Labcorp Genetics (formerly Invitae), Labcorp); PubMed 32166880 (cited by Labcorp Genetics (formerly Invitae), Labcorp); PubMed 34175147 (cited by Labcorp Genetics (formerly Invitae), Labcorp).

NM_007375.4(TARDBP):c.1123A>G (p.Ser375Gly)

Gene: TARDBP (TAR DNA binding protein; plus strand). Cytogenetic location: 1p36.22.
Variant type: single nucleotide variant.
Coding change: c.1123A>G on transcript NM_007375.4 (MANE Select); coding-DNA position 1123, A replaced by G.
Protein change: p.Ser375Gly; replaces serine 375 with glycine.
Molecular consequence: missense variant.
Genome position (GRCh38, 1-based): chr1:11,022,532, A>G. VCF-style: chr1-11022532-A-G. GRCh37 (hg19) VCF-style: chr1-11082589-A-G.
Other names: short protein forms S375G.
Identifiers: ClinVar variation 2202699 (VCV002202699.6), dbSNP rs766196255, ClinGen allele CA586491.